The following is an entry in ClinVar:

NM_024513.4(FYCO1):c.1051C>G (p.Leu351Val)

Gene: FYCO1 (FYVE and coiled-coil domain autophagy adaptor 1; minus strand). Cytogenetic location: 3p21.31.
Variant type: single nucleotide variant.
Coding change: c.1051C>G on transcript NM_024513.4 (MANE Select); coding-DNA position 1051, C replaced by G.
Protein change: p.Leu351Val; replaces leucine 351 with valine.
Molecular consequence: missense variant. On other transcripts: non-coding transcript variant (1).
Genome position (GRCh38, 1-based): chr3:45,968,283, G>C on the plus strand (C>G on the coding strand, the complement: FYCO1 is on the minus strand). VCF-style: chr3-45968283-G-C. GRCh37 (hg19) VCF-style: chr3-46009775-G-C.
Other names: c.1051C>G, p.Leu351Val (NM_001386421.1, NM_001386422.1, NM_001386423.1 and 4 more transcripts); c.931C>G, p.Leu311Val (NM_001386426.1); c.907C>G, p.Leu303Val (NM_001386427.1); c.451C>G, p.Leu151Val (NM_001386430.1); short protein forms L303V, L151V, L311V, L351V.
Identifiers: ClinVar variation 1490293 (VCV001490293.8), dbSNP rs2125852762, ClinGen allele CA352464741.

ClinVar aggregate classification (germline): Uncertain significance (1 of 4 stars; one submission).

Conditions:
Cataract 18 (CATC2). Also called: CATARACT 18, AUTOSOMAL RECESSIVE. Identifiers: Orphanet 91492, Orphanet 98991, Orphanet 98992, Orphanet 98995, MedGen C1864908, MONDO:0012395, OMIM 610019.

Submission:

Labcorp Genetics (formerly Invitae), Labcorp
Classification: Uncertain significance for Cataract 18. Last evaluated: 2021-05-10. Review status: criteria provided, single submitter. Criteria: Invitae Variant Classification Sherloc (09022015). Collection method: clinical testing. Allele origin: germline.
Comment: This sequence change replaces leucine with valine at codon 351 of the FYCO1 protein (p.Leu351Val). The leucine residue is highly conserved and there is a small physicochemical difference between leucine and valine. This variant is not present in population databases (ExAC no frequency). This variant has not been reported in the literature in individuals with FYCO1-related conditions. Algorithms developed to predict the effect of missense changes on protein structure and function (SIFT, PolyPhen-2, Align-GVGD) all suggest that this variant is likely to be disruptive, but these predictions have not been confirmed by published functional studies and their clinical significance is uncertain. In summary, the available evidence is currently insufficient to determine the role of this variant in disease. Therefore, it has been classified as a Variant of Uncertain Significance.